The following is an entry in ClinVar:

NM_001289104.2(PRKCSH):c.79+1G>C

Gene: PRKCSH (PRKCSH beta subunit of glucosidase II; plus strand). Cytogenetic location: 19p13.2.
Variant type: single nucleotide variant.
Coding change: c.79+1G>C on transcript NM_001289104.2 (MANE Select); the canonical splice donor site of the intron after coding-DNA position 79, G replaced by C.
Molecular consequence: splice donor variant.
Genome position (GRCh38, 1-based): chr19:11,436,197, G>C. VCF-style: chr19-11436197-G-C. GRCh37 (hg19) VCF-style: chr19-11547018-G-C.
Other names: c.79+1G>C (NM_001289103.2, NM_001379609.1, NM_001379608.1 and 3 more transcripts).
Identifiers: ClinVar variation 1066294 (VCV001066294.7), dbSNP rs1160514064, ClinGen allele CA404129899.

ClinVar aggregate classification (germline): Likely pathogenic (1 of 4 stars; one submission).

Allele frequency attached by ClinVar (database versions not stated): gnomAD exomes below 0.00001 and 0.00001.
gnomAD v4.1: 1 of 1,588,418 alleles (0.000063%); highest among the groups gnomAD compares: Non-Finnish European, 0.000086%; no homozygotes.

Submission:

Labcorp Genetics (formerly Invitae), Labcorp
Classification: Likely pathogenic. Last evaluated: 2022-11-11. Review status: criteria provided, single submitter. Criteria: Invitae Variant Classification Sherloc (09022015). Collection method: clinical testing. Allele origin: germline.
Comment: In summary, the currently available evidence indicates that the variant is pathogenic, but additional data are needed to prove that conclusively. Therefore, this variant has been classified as Likely Pathogenic. Algorithms developed to predict the effect of sequence changes on RNA splicing suggest that this variant may disrupt the consensus splice site. ClinVar contains an entry for this variant (Variation ID: 1066294). This variant has not been reported in the literature in individuals affected with PRKCSH-related conditions. The frequency data for this variant in the population databases is considered unreliable, as metrics indicate poor data quality at this position in the gnomAD database. This sequence change affects a donor splice site in intron 2 of the PRKCSH gene. It is expected to disrupt RNA splicing. Variants that disrupt the donor or acceptor splice site typically lead to a loss of protein function (PMID: 16199547), and loss-of-function variants in PRKCSH are known to be pathogenic (PMID: 12529853, 12577059, 20095989).

Literature cited by the submitters: PubMed 16199547; PubMed 12529853; PubMed 12577059; PubMed 20095989.